The following is an entry in ClinVar:

ClinVar aggregate classification (germline): Benign/Likely benign. Review status: criteria provided, multiple submitters, no conflicts (2 of 4 stars). 2 submissions from 2 submitters: Benign (1); Likely benign (1). Last evaluated 2026-06-01.

Allele frequency attached by ClinVar (database versions not stated): ExAC 0.00014; gnomAD exomes 0.00022 and 0.00004; 1000 Genomes Project 0.00026; 1000 Genomes Project 30x 0.00042; gnomAD 0.00001 and 0.00002; TOPMed 0.00005.
gnomAD v4.1: 45 of 1,203,086 alleles (0.0037%); highest among the groups gnomAD compares: Admixed American, 0.099%; no homozygotes.

Submissions (2):

CeGaT Center for Human Genetics Tuebingen
Classification: Likely benign. Last evaluated: 2026-06-01. Review status: criteria provided, single submitter. Criteria: CeGaT Center For Human Genetics Tuebingen Variant Classification Criteria Version 2. Collection method: clinical testing. Allele origin: germline. Affected: yes. Observed: 1 variant allele.
Comment: THOC2: BP4, BS2

Labcorp Genetics (formerly Invitae), Labcorp
Classification: Benign. Last evaluated: 2018-09-19. Review status: criteria provided, single submitter. Criteria: Invitae Variant Classification Sherloc (09022015). Collection method: clinical testing. Allele origin: germline.

NM_001081550.2(THOC2):c.4217-8C>T

Gene: THOC2 (THO complex subunit 2; minus strand). Cytogenetic location: Xq25.
Variant type: single nucleotide variant.
Coding change: c.4217-8C>T on transcript NM_001081550.2 (MANE Select); 8 bases into the intron before coding-DNA position 4217, C replaced by T.
Molecular consequence: intron variant.
Genome position (GRCh38, 1-based): chrX:123,620,973, G>A on the plus strand (C>T on the coding strand, the complement: THOC2 is on the minus strand). VCF-style: chrX-123620973-G-A. GRCh37 (hg19) VCF-style: chrX-122754824-G-A.
Identifiers: ClinVar variation 709134 (VCV000709134.5), dbSNP rs183230381, ClinGen allele CA10507365.